The following is an entry in ClinVar:

ClinVar aggregate classification (germline): Uncertain significance. Review status: criteria provided, multiple submitters, no conflicts (2 of 4 stars). 2 submissions from 2 submitters: Uncertain significance (2). Last evaluated 2024-09-16.

Conditions:
Hereditary cancer-predisposing syndrome. Also called: Hereditary Cancer Syndrome; Hereditary neoplastic syndrome; Neoplastic Syndromes, Hereditary; Tumor predisposition. Identifiers: Orphanet 140162, MedGen C0027672, MeSH D009386, MONDO:0015356.
Microcephaly, normal intelligence and immunodeficiency (NBS). Also called: BERLIN BREAKAGE SYNDROME; Ataxia telangiectasia variant V1; Nijmegen breakage syndrome; Microcephaly with normal intelligence immunodeficiency and lymphoreticular malignancies; Nonsyndromal microcephaly autosomal recessive with normal intelligence; Seemanova syndrome 2. Identifiers: Orphanet 647, MedGen C0398791, MONDO:0009623, OMIM 251260.

Allele frequency attached by ClinVar (database versions not stated): ExAC 0.00001.
gnomAD v4.1: 1 of 1,613,130 alleles (0.000062%); no homozygotes.

Submissions (2):

Ambry Genetics
Classification: Uncertain significance for Hereditary cancer-predisposing syndrome. Last evaluated: 2024-09-16. Review status: criteria provided, single submitter. Criteria: Ambry Variant Classification Scheme 2023. Collection method: clinical testing. Allele origin: germline.
Comment: The p.A11T variant (also known as c.31G>A), located in coding exon 1 of the NBN gene, results from a G to A substitution at nucleotide position 31. The alanine at codon 11 is replaced by threonine, an amino acid with similar properties. This amino acid position is conserved. In addition, this alteration is predicted to be tolerated by in silico analysis. Based on the available evidence, the clinical significance of this variant remains unclear.

Labcorp Genetics (formerly Invitae), Labcorp
Classification: Uncertain significance for Microcephaly, normal intelligence and immunodeficiency. Last evaluated: 2022-01-22. Review status: criteria provided, single submitter. Criteria: Invitae Variant Classification Sherloc (09022015). Collection method: clinical testing. Allele origin: germline.
Comment: This sequence change replaces alanine, which is neutral and non-polar, with threonine, which is neutral and polar, at codon 11 of the NBN protein (p.Ala11Thr). The frequency data for this variant in the population databases is considered unreliable, as metrics indicate poor data quality at this position in the gnomAD database. This variant has not been reported in the literature in individuals affected with NBN-related conditions. Algorithms developed to predict the effect of missense changes on protein structure and function (SIFT, PolyPhen-2, Align-GVGD) all suggest that this variant is likely to be tolerated. In summary, the available evidence is currently insufficient to determine the role of this variant in disease. Therefore, it has been classified as a Variant of Uncertain Significance.

NM_002485.5(NBN):c.31G>A (p.Ala11Thr)

Gene: NBN (nibrin; minus strand). Cytogenetic location: 8q21.3.
Variant type: single nucleotide variant.
Coding change: c.31G>A on transcript NM_002485.5 (MANE Select); coding-DNA position 31, G replaced by A.
Protein change: p.Ala11Thr; replaces alanine 11 with threonine.
Molecular consequence: missense variant. On other transcripts: 5 prime UTR variant (1).
Genome position (GRCh38, 1-based): chr8:89,984,531, C>T on the plus strand (G>A on the coding strand, the complement: NBN is on the minus strand). VCF-style: chr8-89984531-C-T. GRCh37 (hg19) VCF-style: chr8-90996759-C-T.
Other names: c.-266G>A (NM_001024688.3); short protein forms A11T.
Identifiers: ClinVar variation 2086703 (VCV002086703.4), dbSNP rs764914981, ClinGen allele CA4803100.